The following is an entry in ClinVar:

ClinVar aggregate classification (germline): Conflicting classifications of pathogenicity. Review status: criteria provided, conflicting classifications (1 of 4 stars). 4 submissions from 4 submitters: Uncertain significance (3); Likely benign (1). Last evaluated 2025-11-05.

Conditions:
TTN-related disorder. Also called: TTN-related condition; TTN-related disease; TTN-related disorders.

Allele frequency attached by ClinVar (database versions not stated): ExAC 0.00003; gnomAD exomes 0.00003; gnomAD 0.00006; TOPMed 0.00008; ESP Exome Variant Server 0.00025.
gnomAD v4.1: 45 of 1,608,148 alleles (0.0028%); highest among the groups gnomAD compares: African/African-American, 0.0094%; no homozygotes.

Submissions (4):

PreventionGenetics, part of Exact Sciences
Classification: Uncertain significance for TTN-related condition. Last evaluated: 2025-11-05. Review status: criteria provided, single submitter. Criteria: ACMG Guidelines, 2015. Collection method: clinical testing. Allele origin: germline.
Comment: The TTN c.19190C>T variant is predicted to result in the amino acid substitution p.Thr6397Met. To our knowledge, this variant has not been reported in the literature. This variant is reported in 0.012% of alleles in individuals of African descent in gnomAD. At this time, the clinical significance of this variant is uncertain due to the absence of conclusive functional and genetic evidence.

Revvity Omics, Revvity
Classification: Uncertain significance. Last evaluated: 2021-05-21. Review status: criteria provided, single submitter. Criteria: ACMG Guidelines, 2015. Collection method: clinical testing. Allele origin: germline.

GeneDx
Classification: Likely benign. Last evaluated: 2019-06-12. Review status: criteria provided, single submitter. Criteria: GeneDx Variant Classification Process June 2021. Collection method: clinical testing. Allele origin: germline. Affected: yes.

Eurofins Ntd Llc (ga)
Classification: Uncertain significance. Last evaluated: 2018-07-31. Review status: criteria provided, single submitter. Criteria: EGL ClinVar v180209 classification definitions. Collection method: clinical testing. Allele origin: germline. Observed: 1 variant allele, 1 heterozygote.

NM_001267550.2(TTN):c.19190C>T (p.Thr6397Met)

Gene: TTN (titin; minus strand). Cytogenetic location: 2q31.2.
Variant type: single nucleotide variant.
Coding change: c.19190C>T on transcript NM_001267550.2 (MANE Select); coding-DNA position 19190, C replaced by T.
Protein change: p.Thr6397Met; replaces threonine 6397 with methionine.
Molecular consequence: missense variant. On other transcripts: intron variant (3).
Genome position (GRCh38, 1-based): chr2:178,728,736, G>A on the plus strand (C>T on the coding strand, the complement: TTN is on the minus strand). VCF-style: chr2-178728736-G-A. GRCh37 (hg19) VCF-style: chr2-179593463-G-A.
Other names: c.18239C>T, p.Thr6080Met (NM_001256850.1); c.15458C>T, p.Thr5153Met (NM_133378.4); c.13282+9346C>T (NM_003319.4); c.13858+9346C>T (NM_133437.4); c.13657+9346C>T (NM_133432.3); short protein forms T6397M, T5153M, T6080M.
Identifiers: ClinVar variation 598204 (VCV000598204.24), dbSNP rs199564845, ClinGen allele CA2001448.